The following is an entry in ClinVar:

ClinVar aggregate classification (germline): Uncertain significance. Review status: criteria provided, multiple submitters, no conflicts (2 of 4 stars). 5 submissions from 5 submitters: Uncertain significance (4). 1 of the submissions does not count toward it. Last evaluated 2025-08-01.

Conditions:
Impaired intellectual development and distinctive facial features with cardiac defects. Also called: MENTAL RETARDATION AND DISTINCTIVE FACIAL FEATURES WITH CARDIAC DEFECTS. Identifiers: MedGen C4225516.
Cardiac anomalies - developmental delay - facial dysmorphism syndrome (MRFACD). Also called: Impaired intellectual development and distinctive facial features with or without cardiac defects; MED13L Syndrome. Identifiers: Orphanet 369891, MedGen C5192431, MONDO:0014773, OMIM 616789.
Dextro-looped transposition of the great arteries. Also called: Dextrotransposition of the great arteries. Identifiers: Orphanet 860, MedGen C3531771, MONDO:0019443, OMIM 608808, HP:0031348.

Allele frequency attached by ClinVar (database versions not stated): gnomAD exomes below 0.00001 and 0.00001; TOPMed below 0.00001; ExAC 0.00001.
gnomAD v4.1: 11 of 1,614,020 alleles (0.00068%); highest among the groups gnomAD compares: Non-Finnish European, 0.00085%; no homozygotes.

Submissions (5):

Centro Nacional de Genética Medica, Administración Nacional de Laboratorios e Institutos de Salud (ANLIS) “Dr. Carlos G Malbrán”
Classification: Uncertain significance for Cardiac anomalies - developmental delay - facial dysmorphism syndrome. Last evaluated: 2025-08-01. Review status: criteria provided, single submitter. Criteria: ACMG Guidelines, 2015. Collection method: research. Allele origin: germline. Affected: yes.
Comment: Malformed ears, hearing problems, underdevelopment of the left ear. Weight deficiency and body asymmetry, language delay, pectus excavatum, mammary hypertelorism, choanal atresia, presence of immature cells in the hematological examination. Mouth with thin, small lips, high-arched palate. As a result, a missense amino acid change (Glutamine) at position 251 is predicted. This amino acid has an uncharged side chain with a somewhat polar amide group, which under acid-base conditions can be hydrolyzed to glutamate (another amino acid also present in proteins), to glycine, which has a small nonpolar side chain (p.Glu251Gly). The variant is located in the DOC_USP7_UBL2_3 motif, which runs from residues 250-254 and is composed of the KEESK sequence (Lys-Glu-Glu-Ser-Lys), that is, two basic amino acids surrounding an acidic core. This motif allows binding to a deubiquitinating protein called UBP7 (Ubiquitin carboxyl-terminal hydrolase 7), which cleaves ubiquitin moieties from its substrates and regulates degradation processes (PM1). The glutamine involved in this case is marked in bold in the previous sequence, so the polarity of the core of this sequence is affected and therefore it can be suggested that binding to UBP7 is also affected. Literature propose that the functionality of the Mediator complex was only affected by variants that led to a decrease in MED13L abundance. This suggests that the lack of MED13L deubiquitination will lead to its degradation, decreasing its abundance and, consequently, the functionality of the Mediator complex (biological hypothesis). The variant found is present at low frequency in population databases such as GnomAD, ExAc, or 1000 Genomes (frequency: 6,815e-6) (PM2_Supporting). The gene has little tolerance to missense changes, with a Z score greater than 3.09 (Z=6.28) observed in the GnomAD database (PP2). Based on the above is classified as VUS (PM1, PM2_Supporting y PP2)

Labcorp Genetics (formerly Invitae), Labcorp
Classification: Uncertain significance for Dextro-looped transposition of the great arteries. Last evaluated: 2023-10-08. Review status: criteria provided, single submitter. Criteria: Invitae Variant Classification Sherloc (09022015). Collection method: clinical testing. Allele origin: germline.
Comment: This sequence change replaces glutamic acid, which is acidic and polar, with glycine, which is neutral and non-polar, at codon 251 of the MED13L protein (p.Glu251Gly). This variant is present in population databases (rs28940309, gnomAD 0.0009%). This missense change has been observed in individual(s) with transposition of the great arteries (PMID: 14638541). ClinVar contains an entry for this variant (Variation ID: 2106). Advanced modeling of protein sequence and biophysical properties (such as structural, functional, and spatial information, amino acid conservation, physicochemical variation, residue mobility, and thermodynamic stability) performed at Invitae indicates that this missense variant is not expected to disrupt MED13L protein function. In summary, the available evidence is currently insufficient to determine the role of this variant in disease. Therefore, it has been classified as a Variant of Uncertain Significance.

Victorian Clinical Genetics Services, Murdoch Childrens Research Institute
Classification: Uncertain significance for Cardiac anomalies - developmental delay - facial dysmorphism syndrome. Last evaluated: 2020-05-25. Review status: criteria provided, single submitter. Criteria: ACMG Guidelines, 2015. Collection method: clinical testing. Allele origin: germline. Inheritance: Autosomal dominant inheritance. Affected: yes.
Comment: Based on the classification scheme VCGS_Germline_v0.6.1, this variant is classified as 3B-VUS. Following criteria are met: 0102 - Loss of function is a known mechanism of disease for this gene. 0107 - This gene is known to be associated with autosomal dominant disease. 0112 - Variants in this gene are known to have reduced penetrance (PMID: 14638541). 0200 - Variant is predicted to result in a missense amino acid change from glutamic acid to glycine. 0301 - Variant is absent from gnomAD. 0502 - Missense variant with conflicting in silico predictions and uninformative conservation. 0600 - Variant is located in an annotated domain or motif that does not have a well established function. 0705 - No comparable variants in relevant codon/region have previous evidence for pathogenicity. 0807 - Variant has not previously been reported in a clinical context. 0905 - No published segregation evidence has been identified for this variant. 1007 - No published functional evidence has been identified for this variant.

Genomic Research Center, Shahid Beheshti University of Medical Sciences
Classification: Uncertain significance for Dextro-looped transposition of the great arteries. Last evaluated: 2017-12-03. Review status: criteria provided, single submitter. Criteria: ACMG Guidelines, 2015. Collection method: clinical testing. Allele origin: inherited. Affected: yes.

OMIM
Classification: Pathogenic for IMPAIRED INTELLECTUAL DEVELOPMENT AND DISTINCTIVE FACIAL FEATURES WITH CARDIAC DEFECTS. Last evaluated: 2003-12-09. Review status: no assertion criteria provided. Collection method: literature only. Allele origin: germline. Not counted in ClinVar's aggregate classification.

Literature cited by the submitters: PubMed 14638541 (cited by 3 submitters).

NM_015335.5(MED13L):c.752A>G (p.Glu251Gly)

Gene: MED13L (mediator complex subunit 13L; minus strand). Cytogenetic location: 12q24.21.
Variant type: single nucleotide variant.
Coding change: c.752A>G on transcript NM_015335.5 (MANE Select); coding-DNA position 752, A replaced by G.
Protein change: p.Glu251Gly; replaces glutamic acid 251 with glycine.
Molecular consequence: missense variant.
Genome position (GRCh38, 1-based): chr12:116,019,846, T>C on the plus strand (A>G on the coding strand, the complement: MED13L is on the minus strand). VCF-style: chr12-116019846-T-C. GRCh37 (hg19) VCF-style: chr12-116457651-T-C.
Other names: c.752A>G; g.116019846A>G; short protein forms E251G.
Identifiers: ClinVar variation 2106 (VCV000002106.17), dbSNP rs28940309, ClinGen allele CA115346.